The following is an entry in ClinVar:

NM_000038.6(APC):c.5265_5268delinsTGCG (p.Ser1756Ala)

Gene: APC (APC regulator of Wnt signaling pathway; plus strand). Cytogenetic location: 5q22.2.
Variant type: Indel.
Coding change: c.5265_5268delinsTGCG on transcript NM_000038.6 (MANE Select); coding-DNA positions 5265 to 5268, GTCT replaced by TGCG.
Protein change: p.Ser1756Ala; replaces serine 1756 with alanine.
Molecular consequence: missense variant.
Genome position (GRCh38, 1-based): chr5:112,840,859-112,840,862, GTCT replaced by TGCG. VCF-style: chr5-112840859-GTCT-TGCG. GRCh37 (hg19) VCF-style: chr5-112176556-GTCT-TGCG.
Other names: c.5265_5268delinsTGCG, p.Ser1756Ala (NM_001127510.3, NM_001354895.2); c.5211_5214delinsTGCG, p.Ser1738Ala (NM_001127511.3); c.5319_5322delinsTGCG, p.Ser1774Ala (NM_001354896.2); c.5295_5298delinsTGCG, p.Ser1766Ala (NM_001354897.2); c.5190_5193delinsTGCG, p.Ser1731Ala (NM_001354898.2); c.5181_5184delinsTGCG, p.Ser1728Ala (NM_001354899.2); c.5142_5145delinsTGCG, p.Ser1715Ala (NM_001354900.2); c.5088_5091delinsTGCG, p.Ser1697Ala (NM_001354901.2); and 5 more; short protein forms S1655A, S1728A, S1731A, S1756A, S1473A, S1738A, S1630A, S1697A.
Identifiers: ClinVar variation 864178 (VCV000864178.9), dbSNP rs1554086584, ClinGen allele CA916079919.

ClinVar aggregate classification (germline): Uncertain significance (1 of 4 stars; one submission).

Conditions:
Familial adenomatous polyposis 1 (FAP1). Also called: POLYPOSIS, ADENOMATOUS INTESTINAL; FAMILIAL ADENOMATOUS POLYPOSIS 1, ATTENUATED. Identifiers: MedGen C2713442, MONDO:0021056, OMIM 175100. Disease mechanism: loss of function.

Submission:

Labcorp Genetics (formerly Invitae), Labcorp
Classification: Uncertain significance for Familial adenomatous polyposis 1. Last evaluated: 2019-03-14. Review status: criteria provided, single submitter. Criteria: Invitae Variant Classification Sherloc (09022015). Collection method: clinical testing. Allele origin: germline.
Comment: In summary, the available evidence is currently insufficient to determine the role of this variant in disease. Therefore, it has been classified as a Variant of Uncertain Significance. Algorithms developed to predict the effect of missense changes on protein structure and function output the following: SIFT: "Tolerated"; PolyPhen-2: "Benign"; Align-GVGD: "Class C0". The serine amino acid residue is found in multiple mammalian species, suggesting that this missense change does not adversely affect protein function. These predictions have not been confirmed by published functional studies and their clinical significance is uncertain. This variant has not been reported in the literature in individuals with APC-related conditions. This variant is not present in population databases (ExAC no frequency). This sequence change replaces serine with alanine at codon 1756 of the APC protein (p.Ser1756Ala). The serine residue is moderately conserved and there is a moderate physicochemical difference between serine and alanine.